The following is an entry in ClinVar:

NC_000002.12:g.121530975C>G

Genes: CLASP1 (cytoplasmic linker associated protein 1; minus strand), CLASP1-AS1 (CLASP1 antisense RNA 1; plus strand), RNU4ATAC (RNA, U4atac small nuclear; plus strand). Cytogenetic location: 2q14.2.
Variant type: single nucleotide variant.
Molecular consequence: intron variant (on NM_001395891.1).
Genome position: GRCh38 VCF-style: chr2-121530975-C-G. GRCh37 (hg19) VCF-style: chr2-122288551-C-G.
Other names: c.196-650G>C (NM_001142274.2, NM_015282.3, NM_001378003.1 and 5 more transcripts).
Identifiers: ClinVar variation 1515511 (VCV001515511.3), dbSNP rs538424742, ClinGen allele CA1854735.

ClinVar aggregate classification (germline): Uncertain significance (1 of 4 stars; one submission).

gnomAD v4.1: 65 of 700,418 alleles (0.0093%); highest among the groups gnomAD compares: Middle Eastern, 0.037%; no homozygotes.

Submission:

Labcorp Genetics (formerly Invitae), Labcorp
Classification: Uncertain significance. Last evaluated: 2022-08-15. Review status: criteria provided, single submitter. Criteria: Invitae Variant Classification Sherloc (09022015). Collection method: clinical testing. Allele origin: germline.
Comment: This variant occurs in the RNU4ATAC gene, which encodes an RNA molecule that does not result in a protein product. This variant is present in population databases (rs538424742, gnomAD 0.01%). This variant has not been reported in the literature in individuals affected with RNU4ATAC-related conditions. ClinVar contains an entry for this variant (Variation ID: 1515511). Experimental studies and prediction algorithms are not available or were not evaluated, and the functional significance of this variant is currently unknown. Algorithms developed to predict the effect of sequence changes on RNA splicing suggest that this variant may create or strengthen a splice site. In summary, the available evidence is currently insufficient to determine the role of this variant in disease. Therefore, it has been classified as a Variant of Uncertain Significance.